The following is an entry in ClinVar:

NM_001145860.2(POP1):c.8A>G (p.Asn3Ser)

Gene: POP1 (POP1 ribonuclease P/MRP subunit; plus strand). Cytogenetic location: 8q22.2.
Variant type: single nucleotide variant.
Coding change: c.8A>G on transcript NM_001145860.2 (MANE Select); coding-DNA position 8, A replaced by G.
Protein change: p.Asn3Ser; replaces asparagine 3 with serine.
Molecular consequence: missense variant.
Genome position (GRCh38, 1-based): chr8:98,123,345, A>G. VCF-style: chr8-98123345-A-G. GRCh37 (hg19) VCF-style: chr8-99135573-A-G.
Other names: c.8A>G, p.Asn3Ser (NM_001145861.2, NM_015029.3); short protein forms N3S.
Identifiers: ClinVar variation 2171220 (VCV002171220.4), dbSNP rs188031074, ClinGen allele CA4820210.

ClinVar aggregate classification (germline): Uncertain significance (1 of 4 stars; one submission).

Allele frequency attached by ClinVar (database versions not stated): gnomAD exomes 0.00002; ExAC 0.00004; 1000 Genomes Project 30x 0.00016; TOPMed 0.00017; gnomAD 0.00018; 1000 Genomes Project 0.00020.
gnomAD v4.1: 56 of 1,613,694 alleles (0.0035%); highest among the groups gnomAD compares: African/African-American, 0.059%; no homozygotes.

Submission:

Labcorp Genetics (formerly Invitae), Labcorp
Classification: Uncertain significance. Last evaluated: 2025-10-14. Review status: criteria provided, single submitter. Criteria: Invitae Variant Classification Sherloc (09022015). Collection method: clinical testing. Allele origin: germline.
Comment: This sequence change replaces asparagine, which is neutral and polar, with serine, which is neutral and polar, at codon 3 of the POP1 protein (p.Asn3Ser). This variant is present in population databases (rs188031074, gnomAD 0.06%). This variant has not been reported in the literature in individuals affected with POP1-related conditions. ClinVar contains an entry for this variant (Variation ID: 2171220). An algorithm developed to predict the effect of missense changes on protein structure and function (PolyPhen-2) suggests that this variant is likely to be disruptive. In summary, the available evidence is currently insufficient to determine the role of this variant in disease. Therefore, it has been classified as a Variant of Uncertain Significance.